The following is an entry in ClinVar:

NM_003047.5(SLC9A1):c.832G>A (p.Glu278Lys)

Gene: SLC9A1 (solute carrier family 9 member A1; minus strand). Cytogenetic location: 1p36.11.
Variant type: single nucleotide variant.
Coding change: c.832G>A on transcript NM_003047.5 (MANE Select); coding-DNA position 832, G replaced by A.
Protein change: p.Glu278Lys; replaces glutamic acid 278 with lysine.
Molecular consequence: missense variant. On other transcripts: non-coding transcript variant (1).
Genome position (GRCh38, 1-based): chr1:27,109,759, C>T on the plus strand (G>A on the coding strand, the complement: SLC9A1 is on the minus strand). VCF-style: chr1-27109759-C-T. GRCh37 (hg19) VCF-style: chr1-27436250-C-T.
Other names: short protein forms E278K.
Identifiers: ClinVar variation 4686541 (VCV004686541.1).

ClinVar aggregate classification (germline): Uncertain significance (1 of 4 stars; one submission).

Submission:

GeneDx
Classification: Uncertain significance. Last evaluated: 2025-07-17. Review status: criteria provided, single submitter. Criteria: GeneDx Variant Classification Process June 2021. Collection method: clinical testing. Allele origin: germline. Affected: yes.
Comment: Not observed at significant frequency in large population cohorts (gnomAD); In silico analysis suggests that this missense variant does not alter protein structure/function; Has not been previously published as pathogenic or benign to our knowledge; In silico analysis suggests this variant may impact gene splicing. In the absence of RNA/functional studies, the actual effect of this sequence change is unknown..